The following is an entry in ClinVar:

NM_015650.4(TRAF3IP1):c.1049A>G (p.Lys350Arg)

Gene: TRAF3IP1 (TRAF3 interacting protein 1; plus strand). Cytogenetic location: 2q37.3.
Variant type: single nucleotide variant.
Coding change: c.1049A>G on transcript NM_015650.4 (MANE Select); coding-DNA position 1049, A replaced by G.
Protein change: p.Lys350Arg; replaces lysine 350 with arginine.
Molecular consequence: missense variant.
Genome position (GRCh38, 1-based): chr2:238,334,021, A>G. VCF-style: chr2-238334021-A-G. GRCh37 (hg19) VCF-style: chr2-239242662-A-G.
Other names: c.1049A>G, p.Lys350Arg (NM_001139490.1); short protein forms K350R.
Identifiers: ClinVar variation 855173 (VCV000855173.11), dbSNP rs1419826656, ClinGen allele CA351248591.

ClinVar aggregate classification (germline): Uncertain significance (1 of 4 stars; one submission).

Allele frequency attached by ClinVar (database versions not stated): TOPMed below 0.00001; gnomAD 0.00001; gnomAD exomes 0.00001.

Submission:

Labcorp Genetics (formerly Invitae), Labcorp
Classification: Uncertain significance. Last evaluated: 2022-03-10. Review status: criteria provided, single submitter. Criteria: Invitae Variant Classification Sherloc (09022015). Collection method: clinical testing. Allele origin: germline.
Comment: In summary, the available evidence is currently insufficient to determine the role of this variant in disease. Therefore, it has been classified as a Variant of Uncertain Significance. Algorithms developed to predict the effect of missense changes on protein structure and function output the following: SIFT: "Tolerated"; PolyPhen-2: "Benign"; Align-GVGD: "Class C0". The arginine amino acid residue is found in multiple mammalian species, which suggests that this missense change does not adversely affect protein function. ClinVar contains an entry for this variant (Variation ID: 855173). This variant has not been reported in the literature in individuals affected with TRAF3IP1-related conditions. This variant is present in population databases (no rsID available, gnomAD 0.01%). This sequence change replaces lysine, which is basic and polar, with arginine, which is basic and polar, at codon 350 of the TRAF3IP1 protein (p.Lys350Arg).